The following is an entry in ClinVar:

NM_000038.6(APC):c.5282A>T (p.Asn1761Ile)

Gene: APC (APC regulator of Wnt signaling pathway; plus strand). Cytogenetic location: 5q22.2.
Variant type: single nucleotide variant.
Coding change: c.5282A>T on transcript NM_000038.6 (MANE Select); coding-DNA position 5282, A replaced by T.
Protein change: p.Asn1761Ile; replaces asparagine 1761 with isoleucine.
Molecular consequence: missense variant. On other transcripts: non-coding transcript variant (2).
Genome position (GRCh38, 1-based): chr5:112,840,876, A>T. VCF-style: chr5-112840876-A-T. GRCh37 (hg19) VCF-style: chr5-112176573-A-T.
Other names: c.5282A>T, p.Asn1761Ile (NM_001127510.3, NM_001354895.2, NM_001407450.1); c.5228A>T, p.Asn1743Ile (NM_001127511.3); c.5336A>T, p.Asn1779Ile (NM_001354896.2, NM_001407447.1, NM_001407448.1 and 1 more transcripts); c.5312A>T, p.Asn1771Ile (NM_001354897.2); c.5207A>T, p.Asn1736Ile (NM_001354898.2); c.5198A>T, p.Asn1733Ile (NM_001354899.2); c.5159A>T, p.Asn1720Ile (NM_001354900.2); c.5105A>T, p.Asn1702Ile (NM_001354901.2, NM_001407453.1); and 11 more; short protein forms N1670I, N1733I, N1743I, N1754I, N1771I, N1377I, N1478I, N1632I.
Identifiers: ClinVar variation 3411902 (VCV003411902.1).

ClinVar aggregate classification (germline): Uncertain significance (1 of 4 stars; one submission).

Conditions:
Hereditary cancer-predisposing syndrome. Also called: Neoplastic Syndromes, Hereditary; Tumor predisposition; Hereditary Cancer Syndrome; Hereditary neoplastic syndrome. Identifiers: Orphanet 140162, MedGen C0027672, MeSH D009386, MONDO:0015356.

Submission:

Ambry Genetics
Classification: Uncertain significance for Hereditary cancer-predisposing syndrome. Last evaluated: 2024-10-28. Review status: criteria provided, single submitter. Criteria: Ambry Variant Classification Scheme 2023. Collection method: clinical testing. Allele origin: germline.
Comment: The p.N1761I variant (also known as c.5282A>T), located in coding exon 15 of the APC gene, results from an A to T substitution at nucleotide position 5282. The asparagine at codon 1761 is replaced by isoleucine, an amino acid with dissimilar properties. This amino acid position is conserved. In addition, in silico predictors for this gene do not accurately predict pathogenicity. Based on the available evidence, the clinical significance of this variant remains unclear.